The following is an entry in ClinVar:

ClinVar aggregate classification (germline): Uncertain significance. Review status: criteria provided, multiple submitters, no conflicts (2 of 4 stars). 3 submissions from 3 submitters: Uncertain significance (3). Last evaluated 2026-03-17.

Conditions:
Ataxia-telangiectasia syndrome (AT). Also called: Ataxia-telangiectasia; LOUIS-BAR SYNDROME; Ataxia-telangiectasia, complementation group D; AT, COMPLEMENTATION GROUP C; ATAXIA-TELANGIECTASIA, COMPLEMENTATION GROUP A; ATAXIA-TELANGIECTASIA, FRESNO VARIANT. Identifiers: Orphanet 100, MedGen C0004135, MONDO:0008840, OMIM 208900.
Hereditary cancer-predisposing syndrome. Also called: Tumor predisposition; Neoplastic Syndromes, Hereditary; Hereditary Cancer Syndrome; Hereditary neoplastic syndrome. Identifiers: Orphanet 140162, MedGen C0027672, MeSH D009386, MONDO:0015356.

Allele frequency attached by ClinVar (database versions not stated): gnomAD exomes below 0.00001.
gnomAD v4.1: 1 of 1,614,002 alleles (0.000062%); highest among the groups gnomAD compares: Non-Finnish European, 0.000085%; no homozygotes.

Submissions (3):

Women's Health and Genetics/Laboratory Corporation of America, LabCorp
Classification: Uncertain significance. Last evaluated: 2026-03-17. Review status: criteria provided, single submitter. Criteria: LabCorp Variant Classification Summary - May 2015. Collection method: clinical testing. Allele origin: germline.
Comment: Variant summary: ATM c.7009T>C (p.Cys2337Arg) results in a non-conservative amino acid change in the encoded protein sequence. Algorithms developed to predict the effect of missense changes on protein structure and function all suggest that this variant is likely to be disruptive. The frequency data for this variant in gnomAD is considered unreliable, as metrics indicate poor data quality at this position. c.7009T>C has been observed in individual(s) affected with Ataxia-telangiectasia, without strong evidence for causality (Soukupova_2011). These report(s) do not provide unequivocal conclusions about association of the variant with Ataxia-telangiectasia. To our knowledge, no experimental evidence demonstrating an impact on protein function has been reported. The following publication has been ascertained in the context of this evaluation (PMID: 21833744). ClinVar contains an entry for this variant (Variation ID: 1409643). Based on the evidence outlined above, the variant was classified as uncertain significance.

Ambry Genetics
Classification: Uncertain significance for Hereditary cancer-predisposing syndrome. Last evaluated: 2025-01-15. Review status: criteria provided, single submitter. Criteria: Ambry Variant Classification Scheme 2023. Collection method: clinical testing. Allele origin: germline.
Comment: The p.C2337R variant (also known as c.7009T>C), located in coding exon 47 of the ATM gene, results from a T to C substitution at nucleotide position 7009. The cysteine at codon 2337 is replaced by arginine, an amino acid with highly dissimilar properties. This alteration has been identified in an individual diagnosed with ataxia telangiectasia (Soukupova J et al. Neuromolecular Med, 2011 Sep;13:204-11). This amino acid position is highly conserved in available vertebrate species. In addition, this alteration is predicted to be deleterious by in silico analysis. Based on the available evidence, the clinical significance of this variant remains unclear.

Labcorp Genetics (formerly Invitae), Labcorp
Classification: Uncertain significance for Ataxia-telangiectasia syndrome. Last evaluated: 2022-12-07. Review status: criteria provided, single submitter. Criteria: Invitae Variant Classification Sherloc (09022015). Collection method: clinical testing. Allele origin: germline.
Comment: In summary, the available evidence is currently insufficient to determine the role of this variant in disease. Therefore, it has been classified as a Variant of Uncertain Significance. Algorithms developed to predict the effect of missense changes on protein structure and function are either unavailable or do not agree on the potential impact of this missense change (SIFT: "Deleterious"; PolyPhen-2: "Possibly Damaging"; Align-GVGD: "Class C0"). ClinVar contains an entry for this variant (Variation ID: 1409643). This missense change has been observed in individuals with ataxia-telangiectasia (PMID: 21833744; Invitae). This variant is not present in population databases (gnomAD no frequency). This sequence change replaces cysteine, which is neutral and slightly polar, with arginine, which is basic and polar, at codon 2337 of the ATM protein (p.Cys2337Arg).

Literature cited by the submitters: PubMed 21833744 (cited by 3 submitters).

NM_000051.4(ATM):c.7009T>C (p.Cys2337Arg)

Genes: ATM (ATM serine/threonine kinase; plus strand), C11orf65 (chromosome 11 open reading frame 65; minus strand). Cytogenetic location: 11q22.3.
Variant type: single nucleotide variant.
Coding change: c.7009T>C on transcript NM_000051.4 (MANE Select); coding-DNA position 7009, T replaced by C.
Protein change: p.Cys2337Arg; replaces cysteine 2337 with arginine.
Molecular consequence: missense variant. On other transcripts: intron variant (2).
Genome position (GRCh38, 1-based): chr11:108,327,678, T>C. VCF-style: chr11-108327678-T-C. GRCh37 (hg19) VCF-style: chr11-108198405-T-C.
Other names: c.7009T>C, p.Cys2337Arg (NM_001351834.2); c.641-18607A>G (NM_001330368.2); c.*38+7542A>G (NM_001351110.2); short protein forms C2337R.
Identifiers: ClinVar variation 1409643 (VCV001409643.11), dbSNP rs2136374685, ClinGen allele CA382558703.